The following is an entry in ClinVar:

NM_004655.4(AXIN2):c.1552T>C (p.Tyr518His)

Gene: AXIN2 (axin 2; minus strand). Cytogenetic location: 17q24.1.
Variant type: single nucleotide variant.
Coding change: c.1552T>C on transcript NM_004655.4 (MANE Select); coding-DNA position 1552, T replaced by C.
Protein change: p.Tyr518His; replaces tyrosine 518 with histidine.
Molecular consequence: missense variant.
Genome position (GRCh38, 1-based): chr17:65,537,484, A>G on the plus strand (T>C on the coding strand, the complement: AXIN2 is on the minus strand). VCF-style: chr17-65537484-A-G. GRCh37 (hg19) VCF-style: chr17-63533602-A-G.
Other names: c.1552T>C (LRG_296t1); c.1552T>C, p.Tyr518His (NM_001363813.1); short protein forms Y518H.
Identifiers: ClinVar variation 580229 (VCV000580229.12), dbSNP rs761534462, ClinGen allele CA400677279.

ClinVar aggregate classification (germline): Uncertain significance. Review status: criteria provided, multiple submitters, no conflicts (2 of 4 stars). 3 submissions from 3 submitters: Uncertain significance (3). Last evaluated 2025-12-29.

Conditions:
Hereditary cancer-predisposing syndrome. Also called: Neoplastic Syndromes, Hereditary; Tumor predisposition; Hereditary neoplastic syndrome; Hereditary Cancer Syndrome. Identifiers: Orphanet 140162, MedGen C0027672, MeSH D009386, MONDO:0015356.
Oligodontia-cancer predisposition syndrome. Also called: TOOTH AGENESIS-COLORECTAL CANCER SYNDROME. Identifiers: Orphanet 300576, MedGen C1837750, MONDO:0012075, OMIM 608615. Disease mechanism: loss of function.

Allele frequency attached by ClinVar (database versions not stated): gnomAD exomes below 0.00001.
gnomAD v4.1: 1 of 1,613,652 alleles (0.000062%); highest among the groups gnomAD compares: Non-Finnish European, 0.000085%; no homozygotes.

Submissions (3):

Center for Genomic Medicine, Rigshospitalet, Copenhagen University Hospital
Classification: Uncertain significance. Last evaluated: 2025-12-29. Review status: criteria provided, single submitter. Criteria: ACMG Guidelines, 2015. Collection method: clinical testing. Allele origin: germline.

Ambry Genetics
Classification: Uncertain significance for Hereditary cancer-predisposing syndrome. Last evaluated: 2021-11-30. Review status: criteria provided, single submitter. Criteria: Ambry Variant Classification Scheme 2023. Collection method: clinical testing. Allele origin: germline.
Comment: The p.Y518H variant (also known as c.1552T>C), located in coding exon 5 of the AXIN2 gene, results from a T to C substitution at nucleotide position 1552. The tyrosine at codon 518 is replaced by histidine, an amino acid with similar properties. This amino acid position is conserved. In addition, the in silico prediction for this alteration is inconclusive. Since supporting evidence is limited at this time, the clinical significance of this alteration remains unclear.

Labcorp Genetics (formerly Invitae), Labcorp
Classification: Uncertain significance for Oligodontia-cancer predisposition syndrome. Last evaluated: 2018-05-12. Review status: criteria provided, single submitter. Criteria: Invitae Variant Classification Sherloc (09022015). Collection method: clinical testing. Allele origin: germline.
Comment: In summary, the available evidence is currently insufficient to determine the role of this variant in disease. Therefore, it has been classified as a Variant of Uncertain Significance. Algorithms developed to predict the effect of missense changes on protein structure and function do not agree on the potential impact of this missense change (SIFT: "Deleterious"; PolyPhen-2: "Benign"; Align-GVGD: "Class C25"). This variant has not been reported in the literature in individuals with AXIN2-related disease. This variant is not present in population databases (ExAC no frequency). This sequence change replaces tyrosine with histidine at codon 518 of the AXIN2 protein (p.Tyr518His). The tyrosine residue is highly conserved and there is a moderate physicochemical difference between tyrosine and histidine.